The following is an entry in ClinVar:

ClinVar aggregate classification (germline): Pathogenic (1 of 4 stars; one submission).

Conditions:
Neurofibromatosis, type 2 (SWNV). Also called: SCHWANNOMATOSIS, VESTIBULAR; BILATERAL ACOUSTIC NEUROFIBROMATOSIS; NF2-Related Schwannomatosis. Identifiers: Orphanet 637, MedGen C0027832, MONDO:0007039, OMIM 101000. Disease mechanism: loss of function.

Submission:

Labcorp Genetics (formerly Invitae), Labcorp
Classification: Pathogenic for Neurofibromatosis, type 2. Last evaluated: 2024-01-16. Review status: criteria provided, single submitter. Criteria: Invitae Variant Classification Sherloc (09022015). Collection method: clinical testing. Allele origin: unknown.
Comment: This variant is a gross deletion of the genomic region encompassing exon(s) 1 of the NF2 gene, which includes the initiator codon. This deletion extends beyond the assayed region for this gene and therefore may encompass additional genes. It is expected to result in an absent or disrupted protein product. Loss-of-function variants in NF2 are known to be pathogenic (PMID: 9643284, 16983642). A similar copy number variant has been observed in individual(s) with neurofibromatosis type 2 (PMID: 12807969, 15645494; Invitae). For these reasons, this variant has been classified as Pathogenic.

Literature cited by the submitters: PubMed 9643284; PubMed 16983642; PubMed 12807969; PubMed 15645494.

NC_000022.10:g.(?_29999922)_(30000121_?)del

Gene: NF2 (NF2, moesin-ezrin-radixin like (MERLIN) tumor suppressor; plus strand). Cytogenetic location: 22q12.2.
Variant type: Deletion.
Identifiers: ClinVar variation 3247104 (VCV003247104.1).